The following is an entry in ClinVar:

NM_144997.7(FLCN):c.1684A>G (p.Lys562Glu)

Gene: FLCN (folliculin; minus strand). Cytogenetic location: 17p11.2.
Variant type: single nucleotide variant.
Coding change: c.1684A>G on transcript NM_144997.7 (MANE Select); coding-DNA position 1684, A replaced by G.
Protein change: p.Lys562Glu; replaces lysine 562 with glutamic acid.
Molecular consequence: missense variant.
Genome position (GRCh38, 1-based): chr17:17,213,711, T>C on the plus strand (A>G on the coding strand, the complement: FLCN is on the minus strand). VCF-style: chr17-17213711-T-C. GRCh37 (hg19) VCF-style: chr17-17117025-T-C.
Other names: c.1738A>G, p.Lys580Glu (NM_001353229.2); c.1684A>G, p.Lys562Glu (NM_001353230.2, NM_001353231.2); short protein forms K580E, K562E.
Identifiers: ClinVar variation 1777966 (VCV001777966.3), dbSNP rs1423468418, ClinGen allele CA398529857.

ClinVar aggregate classification (germline): Uncertain significance. Review status: criteria provided, multiple submitters, no conflicts (2 of 4 stars). 2 submissions from 2 submitters: Uncertain significance (2). Last evaluated 2023-05-18.

Conditions:
Hereditary cancer-predisposing syndrome. Also called: Tumor predisposition; Neoplastic Syndromes, Hereditary; Hereditary Cancer Syndrome; Hereditary neoplastic syndrome. Identifiers: Orphanet 140162, MedGen C0027672, MeSH D009386, MONDO:0015356.
Birt-Hogg-Dube syndrome. Also called: Birt Hogg Dubé syndrome. Identifiers: Orphanet 122, MedGen C0346010, MONDO:0800444.

Allele frequency attached by ClinVar (database versions not stated): gnomAD 0.00001.
gnomAD v4.1: 1 of 1,614,038 alleles (0.000062%); highest among the groups gnomAD compares: Non-Finnish European, 0.000085%; no homozygotes.

Submissions (2):

Baylor Genetics
Classification: Uncertain significance for Birt-Hogg-Dube syndrome 1. Last evaluated: 2023-05-18. Review status: criteria provided, single submitter. Criteria: ACMG Guidelines, 2015. Collection method: clinical testing. Allele origin: unknown.

Ambry Genetics
Classification: Uncertain significance for Hereditary cancer-predisposing syndrome. Last evaluated: 2022-07-26. Review status: criteria provided, single submitter. Criteria: Ambry Variant Classification Scheme 2023. Collection method: clinical testing. Allele origin: germline.
Comment: The p.K562E variant (also known as c.1684A>G), located in coding exon 11 of the FLCN gene, results from an A to G substitution at nucleotide position 1684. The lysine at codon 562 is replaced by glutamic acid, an amino acid with similar properties. This amino acid position is highly conserved in available vertebrate species. In addition, this alteration is predicted to be deleterious by in silico analysis. Since supporting evidence is limited at this time, the clinical significance of this alteration remains unclear.